The following is an entry in ClinVar:

ClinVar aggregate classification (germline): Uncertain significance. Review status: criteria provided, multiple submitters, no conflicts (2 of 4 stars). 2 submissions from 2 submitters: Uncertain significance (2). Last evaluated 2026-02-20.

Conditions:
EGFR-related lung cancer (EGFR). Identifiers: MedGen CN130014.
Hereditary cancer-predisposing syndrome. Also called: Hereditary Cancer Syndrome; Neoplastic Syndromes, Hereditary; Tumor predisposition; Hereditary neoplastic syndrome. Identifiers: Orphanet 140162, MedGen C0027672, MeSH D009386, MONDO:0015356.

Allele frequency attached by ClinVar (database versions not stated): gnomAD 0.00001.
gnomAD v4.1: 1 of 1,614,054 alleles (0.000062%); highest among the groups gnomAD compares: African/African-American, 0.0013%; no homozygotes.

Submissions (2):

Ambry Genetics
Classification: Uncertain significance for Hereditary cancer-predisposing syndrome. Last evaluated: 2026-02-20. Review status: criteria provided, single submitter. Criteria: Ambry Variant Classification Scheme 2023. Collection method: clinical testing. Allele origin: germline.
Comment: The p.S1042N variant (also known as c.3125G>A), located in coding exon 26 of the EGFR gene, results from a G to A substitution at nucleotide position 3125. The serine at codon 1042 is replaced by asparagine, an amino acid with highly similar properties. This amino acid position is highly conserved in available vertebrate species. In addition, this alteration is predicted to be tolerated by in silico analysis. Based on the available evidence, the clinical significance of this variant remains unclear.

Labcorp Genetics (formerly Invitae), Labcorp
Classification: Uncertain significance for EGFR-related lung cancer. Last evaluated: 2023-07-14. Review status: criteria provided, single submitter. Criteria: Invitae Variant Classification Sherloc (09022015). Collection method: clinical testing. Allele origin: germline.
Comment: In summary, the available evidence is currently insufficient to determine the role of this variant in disease. Therefore, it has been classified as a Variant of Uncertain Significance. An algorithm developed to predict the effect of missense changes on protein structure and function (PolyPhen-2) suggests that this variant is likely to be disruptive. ClinVar contains an entry for this variant (Variation ID: 1026894). This variant has not been reported in the literature in individuals affected with EGFR-related conditions. This variant is present in population databases (no rsID available, gnomAD 0.01%). This sequence change replaces serine, which is neutral and polar, with asparagine, which is neutral and polar, at codon 1042 of the EGFR protein (p.Ser1042Asn).

NM_005228.5(EGFR):c.3125G>A (p.Ser1042Asn)

Gene: EGFR (epidermal growth factor receptor; plus strand). Cytogenetic location: 7p11.2.
Variant type: single nucleotide variant.
Coding change: c.3125G>A on transcript NM_005228.5 (MANE Select); coding-DNA position 3125, G replaced by A.
Protein change: p.Ser1042Asn; replaces serine 1042 with asparagine.
Molecular consequence: missense variant.
Genome position (GRCh38, 1-based): chr7:55,201,745, G>A. VCF-style: chr7-55201745-G-A. GRCh37 (hg19) VCF-style: chr7-55269438-G-A.
Other names: c.3125G>A (NM_005228.3); c.2990G>A, p.Ser997Asn (NM_001346897.2, NM_001346899.2); c.3125G>A, p.Ser1042Asn (NM_001346898.2); c.2966G>A, p.Ser989Asn (NM_001346900.2); c.2324G>A, p.Ser775Asn (NM_001346941.2); short protein forms S1042N, S775N, S989N, S997N.
Identifiers: ClinVar variation 1026894 (VCV001026894.9), dbSNP rs1161802556, ClinGen allele CA367582898.